The following is an entry in ClinVar:

ClinVar aggregate classification (germline): Uncertain significance (1 of 4 stars; one submission).

gnomAD v4.1: 2 of 1,613,878 alleles (0.00012%); highest among the groups gnomAD compares: Non-Finnish European, 0.00017%; no homozygotes.

Submission:

GeneDx
Classification: Uncertain significance. Last evaluated: 2024-12-25. Review status: criteria provided, single submitter. Criteria: GeneDx Variant Classification Process June 2021. Collection method: clinical testing. Allele origin: germline. Affected: yes.
Comment: Not observed at significant frequency in large population cohorts (gnomAD); In silico analysis supports that this missense variant has a deleterious effect on protein structure/function; Has not been previously published as pathogenic or benign to our knowledge

NM_001376571.1(MADD):c.4334T>A (p.Val1445Glu)

Gene: MADD (MAP kinase activating death domain; plus strand). Cytogenetic location: 11p11.2.
Variant type: single nucleotide variant.
Coding change: c.4334T>A on transcript NM_001376571.1 (MANE Select); coding-DNA position 4334, T replaced by A.
Protein change: p.Val1445Glu; replaces valine 1445 with glutamic acid.
Molecular consequence: missense variant. On other transcripts: non-coding transcript variant (8), intron variant (1).
Genome position (GRCh38, 1-based): chr11:47,315,284, T>A. VCF-style: chr11-47315284-T-A. GRCh37 (hg19) VCF-style: chr11-47336835-T-A.
Other names: c.4025T>A, p.Val1342Glu (NM_001135943.2); c.4016T>A, p.Val1339Glu (NM_001135944.2, NM_001376618.1, NM_001376619.1 and 2 more transcripts); c.4322T>A, p.Val1441Glu (NM_001376572.1, NM_001376573.1, NM_001376599.1 and 2 more transcripts); c.4280T>A, p.Val1427Glu (NM_001376574.1, NM_001376605.1); c.4274T>A, p.Val1425Glu (NM_001376575.1); c.4262T>A, p.Val1421Glu (NM_001376576.1, NM_001376577.1, NM_001376610.1); c.4235T>A, p.Val1412Glu (NM_001376578.1); c.4208T>A, p.Val1403Glu (NM_001376579.1, NM_001376580.1, NM_001376622.1 and 1 more transcripts); and 43 more; short protein forms V1164E, V1234E, V1283E, V1295E, V1305E, V1310E, V1312E, V1313E.
Identifiers: ClinVar variation 3907903 (VCV003907903.1).